The following is an entry in ClinVar:

NM_020702.5(MYORG):c.1634G>A (p.Gly545Asp)

Gene: MYORG (myogenesis regulating glycosidase; minus strand). Cytogenetic location: 9p13.3.
Variant type: single nucleotide variant.
Coding change: c.1634G>A on transcript NM_020702.5 (MANE Select); coding-DNA position 1634, G replaced by A.
Protein change: p.Gly545Asp; replaces glycine 545 with aspartic acid.
Molecular consequence: missense variant.
Genome position (GRCh38, 1-based): chr9:34,371,310, C>T on the plus strand (G>A on the coding strand, the complement: MYORG is on the minus strand). VCF-style: chr9-34371310-C-T. GRCh37 (hg19) VCF-style: chr9-34371308-C-T.
Other names: short protein forms G545D.
Identifiers: ClinVar variation 1003361 (VCV001003361.11), dbSNP rs199770930, ClinGen allele CA5032876.

ClinVar aggregate classification (germline): Conflicting classifications of pathogenicity. Review status: criteria provided, conflicting classifications (1 of 4 stars). 3 submissions from 3 submitters: Likely pathogenic (1); Uncertain significance (2). Last evaluated 2024-04-23.

Conditions:
Basal ganglia calcification, idiopathic, 7, autosomal recessive. Also called: PRIMARY FAMILIAL BRAIN CALCIFICATION 7, AUTOSOMAL RECESSIVE. Identifiers: MedGen C5193025, MONDO:0032673, OMIM 618317.

Allele frequency attached by ClinVar (database versions not stated): TOPMed 0.00011; gnomAD exomes 0.00021 and 0.00006; ExAC 0.00007; ESP Exome Variant Server 0.00015; gnomAD 0.00011.
gnomAD v4.1: 315 of 1,611,924 alleles (0.02%); highest among the groups gnomAD compares: Non-Finnish European, 0.026%; no homozygotes.

Submissions (3):

Fulgent Genetics
Classification: Likely pathogenic for Basal ganglia calcification, idiopathic, 7, autosomal recessive. Last evaluated: 2024-04-23. Review status: criteria provided, single submitter. Criteria: ACMG Guidelines, 2015. Collection method: clinical testing. Allele origin: germline.

MGZ Medical Genetics Center
Classification: Uncertain significance for Basal ganglia calcification, idiopathic, 7, autosomal recessive. Last evaluated: 2022-02-15. Review status: criteria provided, single submitter. Criteria: ACMG Guidelines, 2015. Collection method: clinical testing. Allele origin: germline. Affected: yes. Observed: 1 variant allele.
Comment: ACMG criteria applied: PM2_SUP, PP3

Labcorp Genetics (formerly Invitae), Labcorp
Classification: Uncertain significance. Last evaluated: 2020-09-17. Review status: criteria provided, single submitter. Criteria: Invitae Variant Classification Sherloc (09022015). Collection method: clinical testing. Allele origin: germline.
Comment: This sequence change replaces glycine with aspartic acid at codon 545 of the KIAA1161 protein (p.Gly545Asp). The glycine residue is highly conserved and there is a moderate physicochemical difference between glycine and aspartic acid. This variant is present in population databases (rs199770930, ExAC 0.01%). This variant has been observed in individual(s) with clinical features of primary basal ganglia calcification (PMID: 32211515, Invitae). Algorithms developed to predict the effect of missense changes on protein structure and function are either unavailable or do not agree on the potential impact of this missense change (SIFT: "Deleterious"; PolyPhen-2: "Not Available"; Align-GVGD: "Class C65"). In summary, the available evidence is currently insufficient to determine the role of this variant in disease. Therefore, it has been classified as a Variant of Uncertain Significance.

Literature cited by the submitters: PubMed 32211515 (cited by Labcorp Genetics (formerly Invitae), Labcorp).